The following is an entry in ClinVar:

ClinVar aggregate classification (germline): Pathogenic (1 of 4 stars; one submission).

Conditions:
Duchenne muscular dystrophy (DMD). Also called: MUSCULAR DYSTROPHY, PSEUDOHYPERTROPHIC PROGRESSIVE, DUCHENNE TYPE; Duchenne Muscular Dystrophy (DMD). Identifiers: Orphanet 98896, MedGen C0013264, MONDO:0010679, OMIM 310200.

Submission:

Labcorp Genetics (formerly Invitae), Labcorp
Classification: Pathogenic for Duchenne muscular dystrophy. Last evaluated: 2022-07-18. Review status: criteria provided, single submitter. Criteria: Invitae Variant Classification Sherloc (09022015). Collection method: clinical testing. Allele origin: germline.
Comment: This variant is a gross deletion of the genomic region encompassing exon(s) 3-43 of the DMD gene. This deletion is out-of-frame, and is expected to create a premature termination codon and result in an absent or disrupted protein product. Loss-of-function variants in DMD are known to be pathogenic (PMID: 16770791, 25007885). A similar copy number variant has been observed in individuals with clinical features of dystrophinopathy (PMID: 16030524; Invitae). For these reasons, this variant has been classified as Pathogenic.

Literature cited by the submitters: PubMed 16770791; PubMed 25007885; PubMed 16030524.

NC_000023.10:g.(?_32305636)_(32867947_?)del

Gene: DMD (dystrophin; minus strand). Cytogenetic location: Xp21.1.
Variant type: Deletion.
Identifiers: ClinVar variation 1383154 (VCV001383154.7).